The following is an entry in ClinVar:

NM_025137.4(SPG11):c.6224A>C (p.Asn2075Thr)

Gene: SPG11 (SPG11 vesicle trafficking associated, spatacsin; minus strand). Cytogenetic location: 15q21.1.
Variant type: single nucleotide variant.
Coding change: c.6224A>C on transcript NM_025137.4 (MANE Select); coding-DNA position 6224, A replaced by C.
Protein change: p.Asn2075Thr; replaces asparagine 2075 with threonine.
Molecular consequence: missense variant.
Genome position (GRCh38, 1-based): chr15:44,572,802, T>G on the plus strand (A>C on the coding strand, the complement: SPG11 is on the minus strand). VCF-style: chr15-44572802-T-G. GRCh37 (hg19) VCF-style: chr15-44865000-T-G.
Other names: c.6224A>C (NM_025137.3); c.5885A>C, p.Asn1962Thr (NM_001160227.2); short protein forms N1962T, N2075T.
Identifiers: ClinVar variation 1004071 (VCV001004071.7), dbSNP rs140824939, ClinGen allele CA7534203.

ClinVar aggregate classification (germline): Uncertain significance. Review status: criteria provided, multiple submitters, no conflicts (2 of 4 stars). 2 submissions from 2 submitters: Uncertain significance (2). Last evaluated 2025-01-17.

Conditions:
Hereditary spastic paraplegia 11. Also called: Spastic Paraplegia 11; SPASTIC PARAPLEGIA, AUTOSOMAL RECESSIVE, COMPLICATED, WITH THIN CORPUS CALLOSUM; SPASTIC PARAPLEGIA, AUTOSOMAL RECESSIVE, WITH MENTAL IMPAIRMENT AND THIN CORPUS CALLOSUM; Nakamura Osame syndrome; Autosomal recessive hereditary spastic paraplegia, mental impairment, and thin corpus callosum; Spastic paraplegia, mental retardation and thin corpus callosum. Identifiers: Orphanet 2822, MedGen C1858479, MONDO:0011445, OMIM 604360.

gnomAD v4.1: 11 of 1,613,956 alleles (0.00068%); highest among the groups gnomAD compares: South Asian, 0.0044%; no homozygotes.

Submissions (2):

GeneDx
Classification: Uncertain significance. Last evaluated: 2025-01-17. Review status: criteria provided, single submitter. Criteria: GeneDx Variant Classification Process June 2021. Collection method: clinical testing. Allele origin: germline. Affected: yes.
Comment: Not observed at significant frequency in large population cohorts (gnomAD); In silico analysis indicates that this missense variant does not alter protein structure/function; Has not been previously published as pathogenic or benign to our knowledge

Labcorp Genetics (formerly Invitae), Labcorp
Classification: Uncertain significance for Hereditary spastic paraplegia 11. Last evaluated: 2021-08-27. Review status: criteria provided, single submitter. Criteria: Invitae Variant Classification Sherloc (09022015). Collection method: clinical testing. Allele origin: germline.
Comment: This sequence change replaces asparagine with threonine at codon 2075 of the SPG11 protein (p.Asn2075Thr). The asparagine residue is weakly conserved and there is a small physicochemical difference between asparagine and threonine. This variant is present in population databases (rs140824939, ExAC 0.006%). This variant has not been reported in the literature in individuals affected with SPG11-related conditions. Algorithms developed to predict the effect of missense changes on protein structure and function output the following: SIFT: "Tolerated"; PolyPhen-2: "Benign"; Align-GVGD: "Class C0". The threonine amino acid residue is found in multiple mammalian species, which suggests that this missense change does not adversely affect protein function. In summary, the available evidence is currently insufficient to determine the role of this variant in disease. Therefore, it has been classified as a Variant of Uncertain Significance.